The following is an entry in ClinVar:

NM_018896.5(CACNA1G):c.5437C>T (p.Arg1813Trp)

Gene: CACNA1G (calcium voltage-gated channel subunit alpha1 G; plus strand). Cytogenetic location: 17q21.33.
Variant type: single nucleotide variant.
Coding change: c.5437C>T on transcript NM_018896.5 (MANE Select); coding-DNA position 5437, C replaced by T.
Protein change: p.Arg1813Trp; replaces arginine 1813 with tryptophan.
Molecular consequence: missense variant. On other transcripts: non-coding transcript variant (5).
Genome position (GRCh38, 1-based): chr17:50,618,664, C>T. VCF-style: chr17-50618664-C-T. GRCh37 (hg19) VCF-style: chr17-48696025-C-T.
Other names: c.5383C>T, p.Arg1795Trp (NM_001256324.2, NM_198386.3); c.5458C>T, p.Arg1820Trp (NM_001256325.2); c.5302C>T, p.Arg1768Trp (NM_001256326.2, NM_001256330.2); c.5416C>T, p.Arg1806Trp (NM_001256327.2); c.5362C>T, p.Arg1788Trp (NM_001256328.2); c.5335C>T, p.Arg1779Trp (NM_001256329.2, NM_198376.3, NM_198379.3 and 2 more transcripts); c.5281C>T, p.Arg1761Trp (NM_001256331.2); c.5266C>T, p.Arg1756Trp (NM_001256332.2); and 7 more; short protein forms R1756W, R1761W, R1768W, R1772W, R1775W, R1777W, R1779W, R1786W.
Identifiers: ClinVar variation 1712544 (VCV001712544.2), dbSNP rs2051082772, ClinGen allele CA400264793.
Genomic context (GRCh38, chr17:50,618,664, plus strand): 5'-GCTCCAACAACTGTCCTCCCCAGCCTCACCCCTCTATTCCACCCTCCCCAGGACACCCTC[C>T]GGGACTGTGACCAGGAGTCCACCTGCTACAACACGGTCATCTCGCCTATCTACTTTGTGT-3'
Protein context (NP_061496.2, residues 1803-1823): NWNGIMKDTL[Arg1813Trp]DCDQESTCYN

ClinVar aggregate classification (germline): Uncertain significance (1 of 4 stars; one submission).

Allele frequency attached by ClinVar (database versions not stated): gnomAD 0.00001; TOPMed 0.00001.
gnomAD v4.1: 3 of 1,612,612 alleles (0.00019%); highest among the groups gnomAD compares: African/African-American, 0.0013%; no homozygotes.

Submission:

GeneDx
Classification: Uncertain significance. Last evaluated: 2022-04-26. Review status: criteria provided, single submitter. Criteria: GeneDx Variant Classification Process June 2021. Collection method: clinical testing. Allele origin: germline. Affected: yes.
Comment: Not observed at significant frequency in large population cohorts (gnomAD); In silico analysis supports that this missense variant has a deleterious effect on protein structure/function; Has not been previously published as pathogenic or benign to our knowledge